The following is an entry in ClinVar:

ClinVar aggregate classification (germline): Uncertain significance (1 of 4 stars; one submission).

Submission:

Labcorp Genetics (formerly Invitae), Labcorp
Classification: Uncertain significance. Last evaluated: 2022-05-03. Review status: criteria provided, single submitter. Criteria: Invitae Variant Classification Sherloc (09022015). Collection method: clinical testing. Allele origin: germline.
Comment: In summary, the available evidence is currently insufficient to determine the role of this variant in disease. Therefore, it has been classified as a Variant of Uncertain Significance. Algorithms developed to predict the effect of missense changes on protein structure and function (SIFT, PolyPhen-2, Align-GVGD) all suggest that this variant is likely to be disruptive. This variant has not been reported in the literature in individuals affected with AP3D1-related conditions. This variant is not present in population databases (gnomAD no frequency). This sequence change replaces glutamic acid, which is acidic and polar, with aspartic acid, which is acidic and polar, at codon 46 of the AP3D1 protein (p.Glu46Asp).

NM_001261826.3(AP3D1):c.138G>C (p.Glu46Asp)

Gene: AP3D1 (adaptor related protein complex 3 subunit delta 1; minus strand). Cytogenetic location: 19p13.3.
Variant type: single nucleotide variant.
Coding change: c.138G>C on transcript NM_001261826.3 (MANE Select); coding-DNA position 138, G replaced by C.
Protein change: p.Glu46Asp; replaces glutamic acid 46 with aspartic acid.
Molecular consequence: missense variant.
Genome position (GRCh38, 1-based): chr19:2,138,673, C>G on the plus strand (G>C on the coding strand, the complement: AP3D1 is on the minus strand). VCF-style: chr19-2138673-C-G. GRCh37 (hg19) VCF-style: chr19-2138672-C-G.
Other names: c.138G>C, p.Glu46Asp (NM_001374799.1, NM_003938.8); short protein forms E46D.
Identifiers: ClinVar variation 2133092 (VCV002133092.4), dbSNP rs2512232374, ClinGen allele CA403233228.